The following is an entry in ClinVar:

ClinVar aggregate classification (germline): Uncertain significance (1 of 4 stars; one submission).

Conditions:
Mitochondrial hypertrophic cardiomyopathy with lactic acidosis due to MTO1 deficiency. Also called: CARDIOMYOPATHY, INFANTILE HYPERTROPHIC MITOCHONDRIAL, AND LACTIC ACIDOSIS; Combined oxidative phosphorylation deficiency 10. Identifiers: Orphanet 314637, MedGen C4749921, MONDO:0013865, OMIM 614702.

Allele frequency attached by ClinVar (database versions not stated): gnomAD exomes 0.00002.

Submission:

Labcorp Genetics (formerly Invitae), Labcorp
Classification: Uncertain significance for Mitochondrial hypertrophic cardiomyopathy with lactic acidosis due to MTO1 deficiency. Last evaluated: 2022-03-18. Review status: criteria provided, single submitter. Criteria: Invitae Variant Classification Sherloc (09022015). Collection method: clinical testing. Allele origin: germline.
Comment: This sequence change replaces asparagine, which is neutral and polar, with aspartic acid, which is acidic and polar, at codon 409 of the MTO1 protein (p.Asn409Asp). This variant is present in population databases (no rsID available, gnomAD 0.0009%). This variant has not been reported in the literature in individuals affected with MTO1-related conditions. Algorithms developed to predict the effect of missense changes on protein structure and function are either unavailable or do not agree on the potential impact of this missense change (SIFT: "Deleterious"; PolyPhen-2: "Probably Damaging"; Align-GVGD: "Class C0"). In summary, the available evidence is currently insufficient to determine the role of this variant in disease. Therefore, it has been classified as a Variant of Uncertain Significance.

NM_012123.4(MTO1):c.1225A>G (p.Asn409Asp)

Gene: MTO1 (mitochondrial tRNA translation optimization 1; plus strand). Cytogenetic location: 6q13.
Variant type: single nucleotide variant.
Coding change: c.1225A>G on transcript NM_012123.4 (MANE Select); coding-DNA position 1225, A replaced by G.
Protein change: p.Asn409Asp; replaces asparagine 409 with aspartic acid.
Molecular consequence: missense variant.
Genome position (GRCh38, 1-based): chr6:73,480,770, A>G. VCF-style: chr6-73480770-A-G. GRCh37 (hg19) VCF-style: chr6-74190493-A-G.
Other names: c.1225A>G, p.Asn409Asp (NM_001123226.2); c.1300A>G, p.Asn434Asp (NM_133645.3); short protein forms N409D, N434D.
Identifiers: ClinVar variation 1978963 (VCV001978963.4), dbSNP rs1344099573, ClinGen allele CA364715517.